The following is an entry in ClinVar:

NM_032119.4(ADGRV1):c.3823C>T (p.Gln1275Ter)

Gene: ADGRV1 (adhesion G protein-coupled receptor V1; plus strand). Cytogenetic location: 5q14.3.
Variant type: single nucleotide variant.
Coding change: c.3823C>T on transcript NM_032119.4 (MANE Select); coding-DNA position 3823, C replaced by T.
Protein change: p.Gln1275Ter; replaces glutamine 1275 with a stop codon.
Molecular consequence: nonsense. On other transcripts: non-coding transcript variant (1).
Genome position (GRCh38, 1-based): chr5:90,653,397, C>T. VCF-style: chr5-90653397-C-T. GRCh37 (hg19) VCF-style: chr5-89949214-C-T.
Other names: short protein forms Q1275*.
Identifiers: ClinVar variation 3346846 (VCV003346846.1).
Genomic context (GRCh38, chr5:90,653,397, plus strand): 5'-GAAGATGTCCTGTCTGAAGATGATATGTCTTATATTACCAACTTCACCATTTTGAGGCAG[C>T]AGGGTGTGTTTGGTGATGTACAACTGGGCTGGGAAATACTGTCCAGTGAGTTCCCTGCTG-3'

ClinVar aggregate classification (germline): Likely pathogenic (0 of 4 stars; one submission).

Conditions:
ADGRV1-related disorder. Also called: ADGRV1-related disorders; ADGRV1-related condition.

gnomAD v4.1: 1 of 1,613,920 alleles (0.000062%); highest among the groups gnomAD compares: Non-Finnish European, 0.000085%; no homozygotes.

Submission:

PreventionGenetics, part of Exact Sciences
Classification: Likely pathogenic for ADGRV1-related condition. Last evaluated: 2024-05-10. Review status: no assertion criteria provided. Collection method: clinical testing. Allele origin: germline.
Comment: The ADGRV1 c.3823C>T variant is predicted to result in premature protein termination (p.Gln1275*). To our knowledge, this variant has not been reported in the literature or in a large population database, indicating this variant is rare. Frameshift variants in ADGRV1 are expected to be pathogenic. This variant is interpreted as likely pathogenic.